The following is an entry in ClinVar:

NM_001918.5(DBT):c.947C>T (p.Ser316Phe)

Gene: DBT (dihydrolipoamide branched chain transacylase E2; minus strand). Cytogenetic location: 1p21.2.
Variant type: single nucleotide variant.
Coding change: c.947C>T on transcript NM_001918.5 (MANE Select); coding-DNA position 947, C replaced by T.
Protein change: p.Ser316Phe; replaces serine 316 with phenylalanine.
Molecular consequence: missense variant. On other transcripts: non-coding transcript variant (4).
Genome position (GRCh38, 1-based): chr1:100,210,764, G>A on the plus strand (C>T on the coding strand, the complement: DBT is on the minus strand). VCF-style: chr1-100210764-G-A. GRCh37 (hg19) VCF-style: chr1-100676320-G-A.
Other names: c.404C>T, p.Ser135Phe (NM_001399969.1, NM_001399972.1); short protein forms S135F, S316F.
Identifiers: ClinVar variation 4994019 (VCV004994019.1).

ClinVar aggregate classification (germline): Uncertain significance (1 of 4 stars; one submission).

Conditions:
DBT-related disorder. Also called: DBT-related condition.

Submission:

PreventionGenetics, part of Exact Sciences
Classification: Uncertain significance for DBT-related condition. Last evaluated: 2026-09-08. Review status: criteria provided, single submitter. Criteria: ACMG Guidelines, 2015. Collection method: clinical testing. Allele origin: germline.
Comment: The DBT c.947C>T variant is predicted to result in the amino acid substitution p.Ser316Phe. To our knowledge, this variant has not been reported in the literature or in a large population database (gnomAD), indicating this variant is rare. At this time, the clinical significance of this variant is uncertain due to the absence of conclusive functional and genetic evidence.